The following is an entry in ClinVar:

NM_032043.3(BRIP1):c.3728G>C (p.Gly1243Ala)

Gene: BRIP1 (BRCA1 interacting DNA helicase 1; minus strand). Cytogenetic location: 17q23.2.
Variant type: single nucleotide variant.
Coding change: c.3728G>C on transcript NM_032043.3 (MANE Select); coding-DNA position 3728, G replaced by C.
Protein change: p.Gly1243Ala; replaces glycine 1243 with alanine.
Molecular consequence: missense variant.
Genome position (GRCh38, 1-based): chr17:61,683,318, C>G on the plus strand (G>C on the coding strand, the complement: BRIP1 is on the minus strand). VCF-style: chr17-61683318-C-G. GRCh37 (hg19) VCF-style: chr17-59760679-C-G.
Other names: short protein forms G1243A.
Identifiers: ClinVar variation 2939023 (VCV002939023.3), dbSNP rs765545033, ClinGen allele CA400477734.
Genomic context (GRCh38, chr17:61,683,318, plus strand): 5'-GATGACATATTTTTACTTAGCTTGAGAGTTAAGTATTATTACTTAAAACCAGGAAACATG[C>G]CTTTATTTTTGGAAGGAGATGGTTTAAAGTTCTTTATTTCTATTTCATGAGTTTTTCCCA-3'
Protein context (NP_114432.2, residues 1233-1249): NFKPSPSKNK[Gly1243Ala]MFPGFK

ClinVar aggregate classification (germline): Uncertain significance (1 of 4 stars; one submission).

Conditions:
Fanconi anemia complementation group J. Also called: BRIP1-Related Fanconi Anemia. Identifiers: Orphanet 84, MedGen C1836860, MONDO:0012187, OMIM 609054.
Familial cancer of breast. Also called: BREAST CANCER, FAMILIAL; Hereditary breast cancer; hereditary breast carcinoma. Identifiers: Orphanet 227535, MedGen C0346153, MONDO:0016419, OMIM 114480. Disease mechanism: loss of function.

Submission:

Labcorp Genetics (formerly Invitae), Labcorp
Classification: Uncertain significance for Familial cancer of breast; Fanconi anemia complementation group J. Last evaluated: 2023-12-24. Review status: criteria provided, single submitter. Criteria: Invitae Variant Classification Sherloc (09022015). Collection method: clinical testing. Allele origin: germline.
Comment: This sequence change replaces glycine, which is neutral and non-polar, with alanine, which is neutral and non-polar, at codon 1243 of the BRIP1 protein (p.Gly1243Ala). This variant is not present in population databases (gnomAD no frequency). This variant has not been reported in the literature in individuals affected with BRIP1-related conditions. An algorithm developed to predict the effect of missense changes on protein structure and function (PolyPhen-2) suggests that this variant is likely to be disruptive. In summary, the available evidence is currently insufficient to determine the role of this variant in disease. Therefore, it has been classified as a Variant of Uncertain Significance.